The following is an entry in ClinVar:

ClinVar aggregate classification (germline): Likely pathogenic (1 of 4 stars; one submission).

Conditions:
Dilated cardiomyopathy 1G (CMD1G). Identifiers: Orphanet 154, MedGen C1858763, MONDO:0011400, OMIM 604145.
Autosomal recessive limb-girdle muscular dystrophy type 2J (LGMDR10). Also called: Limb-girdle muscular dystrophy, type 2J; MUSCULAR DYSTROPHY, LIMB-GIRDLE, AUTOSOMAL RECESSIVE 10. Identifiers: Orphanet 140922, MedGen C1837342, MONDO:0012127, OMIM 608807.

Submission:

Labcorp Genetics (formerly Invitae), Labcorp
Classification: Likely pathogenic for Dilated cardiomyopathy 1G; Autosomal recessive limb-girdle muscular dystrophy type 2J. Last evaluated: 2025-04-11. Review status: criteria provided, single submitter. Criteria: Invitae Variant Classification Sherloc (09022015). Collection method: clinical testing. Allele origin: germline.
Comment: This sequence change creates a premature translational stop signal (p.Leu27527Argfs*5) in the TTN gene. While this is not anticipated to result in nonsense mediated decay, it is expected to create a truncated TTN protein. This variant is not present in population databases (gnomAD no frequency). This variant has not been reported in the literature in individuals affected with TTN-related conditions. This variant is located in the A band of TTN (PMID: 25589632). Truncating variants in this region are significantly overrepresented in patients affected with dilated cardiomyopathy (PMID: 25589632). Truncating variants in this region have also been reported in individuals affected with autosomal recessive centronuclear myopathy (PMID: 23975875). In summary, the currently available evidence indicates that the variant is pathogenic, but additional data are needed to prove that conclusively. Therefore, this variant has been classified as Likely Pathogenic.

Literature cited by the submitters: PubMed 25589632; PubMed 23975875.

NM_001267550.2(TTN):c.82580del (p.Leu27527fs)

Genes: TTN (titin; minus strand), TTN-AS1 (TTN antisense RNA 1; plus strand). Cytogenetic location: 2q31.2.
Variant type: Deletion.
Coding change: c.82580del on transcript NM_001267550.2 (MANE Select); coding-DNA position 82580, one base deleted (T; older notation c.82580delT).
Protein change: p.Leu27527fs; shifts the reading frame from leucine 27527.
Molecular consequence: frameshift variant.
Genome position (GRCh38, 1-based): chr2:178,563,552, A deleted on the plus strand (T on the coding strand, the reverse complement: TTN is on the minus strand). VCF-style (leftmost placement, unchanged base first): chr2-178563551-CA-C. GRCh37 (hg19) VCF-style: chr2-179428278-CA-C.
Other names: c.77657del, p.Leu25886fs (NM_001256850.1); c.55385del, p.Leu18462fs (NM_003319.4); c.74876del, p.Leu24959fs (NM_133378.4); c.55760del, p.Leu18587fs (NM_133432.3); c.55961del, p.Leu18654fs (NM_133437.4); short protein forms L24959fs, L25886fs, L27527fs, L18462fs, L18587fs, L18654fs.
Identifiers: ClinVar variation 4784696 (VCV004784696.1).
Genomic context (GRCh38, chr2:178,563,551, plus strand): 5'-TTCAGCAGCAACTCTGAATTCATAGGAATGGCCTTCGGTAAGACCAGTTACCCTGAGCCG[CA>C]GATCCGTTAATGTTTTCTTGTTGCACTTGGTCCATCTAACGCCTTCCTTATCTCGTTTTT-3'